The following is an entry in ClinVar:

ClinVar aggregate classification (germline): Pathogenic/Likely pathogenic. Review status: criteria provided, multiple submitters, no conflicts (2 of 4 stars). 3 submissions from 3 submitters: Pathogenic (2); Likely pathogenic (1). Last evaluated 2026-06-03.

Conditions:
Polycystic kidney disease, adult type (PKD1). Also called: Polycystic Kidney, Autosomal Dominant; POLYCYSTIC KIDNEY DISEASE, ADULT, TYPE I; Polycystic Kidney Disease 1, Autosomal Dominant; Polycystic kidney disease 1; Polycystic kidney disease 1, severe; POLYCYSTIC KIDNEY DISEASE 1 WITH OR WITHOUT POLYCYSTIC LIVER DISEASE. Identifiers: MedGen C3149841, MONDO:0008263, OMIM 173900.

Submissions (3):

Women's Health and Genetics/Laboratory Corporation of America, LabCorp
Classification: Pathogenic for Polycystic kidney disease, adult type. Last evaluated: 2026-06-03. Review status: criteria provided, single submitter. Criteria: LabCorp Variant Classification Summary - May 2015. Collection method: clinical testing. Allele origin: germline.
Comment: Variant summary: PKD1 c.11345_11347dupACG (p.Asp3782dup) results in an in-frame duplication that is predicted to duplicate one amino acids into the encoded protein. The variant was absent in 249614 control chromosomes (gnomAD). c.11345_11347dupACG has been observed in multiple heterozygous individuals affected with Polycystic Kidney Disease 1 (e.g. Paul_2014, Carrera_2016). These data indicate that the variant is very likely to be associated with disease. The following publications have been ascertained in the context of this evaluation (PMID: 26823553, 23760289, 27499327). ClinVar contains an entry for this variant (Variation ID: 2683939). Based on the evidence outlined above, the variant was classified as pathogenic.

Victorian Clinical Genetics Services, Murdoch Childrens Research Institute
Classification: Pathogenic for Polycystic kidney disease, adult type. Last evaluated: 2023-07-17. Review status: criteria provided, single submitter. Criteria: ACMG Guidelines, 2015. Collection method: clinical testing. Allele origin: germline. Inheritance: Autosomal dominant inheritance. Affected: yes.
Comment: Based on the classification scheme VCGS_Germline_v1.3.4, this variant is classified as Pathogenic. Following criteria are met: 0102 - Loss of function is a known mechanism of disease in this gene and is associated with polycystic kidney disease 1 (MIM#173900). (I) 0107 - This gene is associated with autosomal dominant disease. Polycystic kidney disease 1 (MIM#173900) is predominantly caused by monoallelic variants, with rare reports of biallelic variants causing disease (OMIM). (I) 0216 - In-frame insertion/deletion in a non-repetitive region that has low conservation. (SP) 0251 - This variant is heterozygous. (I) 0301 - Variant is absent from gnomAD (both v2 and v3). (SP) 0600 - Variant is located in the annotated polycystin domain (DECIPHER). (I) 0705 - No comparable variants have previous evidence for pathogenicity. However, multiple inframe deletion and duplication variants affecting this amino acid and surrounding residues have been reported in individuals with polycystic kidney disease (PKD; ClinVar). This includes the deletion of this same amino acid, p.(Asp3782del) (PMID: 22508176, PMID: 30989420). (I) 0803 - This variant has limited previous evidence of pathogenicity in unrelated individuals. This variant has been reported as highly likely pathogenic, and observed in two unrelated individuals with PKD (PMID: 23760289, PMID: 27499327). (SP) 0901 - This variant has strong evidence for segregation with disease. This variant has segregated in five individuals from a single family with PKD, and was absent in four unaffected relatives. While several of these unaffected individuals had cysts in childhood, they had resolved in adulthood (PMID: 23760289). (SP) 1007 - No published functional evidence has been identified for this variant. (I) 1208 - Inheritance information for this variant is not currently available in this individual. (I) Legend: (SP) - Supporting pathogenic, (I) - Information, (SB) - Supporting benign

MVZ Martinsried, Medicover Genetics
Classification: Likely pathogenic for Polycystic kidney disease, adult type. Last evaluated: 2022-12-16. Review status: criteria provided, single submitter. Criteria: ACGS Guidelines, 2020. Collection method: clinical testing. Allele origin: unknown. Affected: yes.

Literature cited by the submitters: PubMed 27499327 (cited by Women's Health and Genetics/Laboratory Corporation of America, LabCorp and Victorian Clinical Genetics Services, Murdoch Childrens Research Institute); PubMed 26823553 (cited by Women's Health and Genetics/Laboratory Corporation of America, LabCorp); PubMed 23760289 (cited by Women's Health and Genetics/Laboratory Corporation of America, LabCorp and Victorian Clinical Genetics Services, Murdoch Childrens Research Institute); PubMed 22508176 (cited by Victorian Clinical Genetics Services, Murdoch Childrens Research Institute); PubMed 30989420 (cited by Victorian Clinical Genetics Services, Murdoch Childrens Research Institute).

NM_001009944.3(PKD1):c.11342ACG[3] (p.Asp3782_Val3783insAsp)

Genes: PKD1 (polycystin 1, transient receptor potential channel interacting; minus strand), PKD1-AS1 (PKD1 antisense RNA 1; plus strand). Cytogenetic location: 16p13.3.
Variant type: Microsatellite.
Coding change: c.11342ACG[3] on transcript NM_001009944.3 (MANE Select); three copies in a row of the 3-base unit ACG starting at c.11342; the reference has two copies in a row; one copy, 3 bases duplicated; also written c.11345_11347dup.
Protein change: p.Asp3782_Val3783insAsp.
Molecular consequence: inframe insertion. On other transcripts: inframe indel (1).
Genome position (GRCh38, 1-based): chr16:2,092,111-2,092,113, CGT duplicated on the plus strand (ACG on the coding strand, the reverse complement: PKD1 is on the minus strand); duplicating any 3 consecutive bases within chr16:2,092,111-2,092,116 gives the same sequence; the position shown is the placement nearest the transcript's 3' end. VCF-style (leftmost placement, unchanged base first): chr16-2092110-A-ACGT. GRCh37 (hg19) VCF-style: chr16-2142111-A-ACGT.
Other names: c.11345_11347dup (NM_001009944.3); c.11339ACG[3], p.Asp3781_Val3782insAsp (NM_000296.4); c.11342_11344ACG[3], p.Asp3782_Val3783insAsp (NM_001009944.2); c.11345_11347dupACG (NM_001009944.2, NM_001009944.3).
Identifiers: ClinVar variation 2683939 (VCV002683939.3), dbSNP rs2091618553, ClinGen allele CA2202019379.